The following is an entry in ClinVar:

NM_000264.5(PTCH1):c.104G>A (p.Arg35Gln)

Genes: PTCH1 (patched 1; minus strand), LOC130002133 (ATAC-STARR-seq lymphoblastoid silent region 20071; plus strand). Cytogenetic location: 9q22.32.
Variant type: single nucleotide variant.
Coding change: c.104G>A on transcript NM_000264.5 (MANE Select); coding-DNA position 104, G replaced by A.
Protein change: p.Arg35Gln; replaces arginine 35 with glutamine.
Molecular consequence: missense variant. On other transcripts: non-coding transcript variant (1), intron variant (3).
Genome position (GRCh38, 1-based): chr9:95,508,258, C>T on the plus strand (G>A on the coding strand, the complement: PTCH1 is on the minus strand). VCF-style: chr9-95508258-C-T. GRCh37 (hg19) VCF-style: chr9-98270540-C-T.
Other names: c.104G>A, p.Arg35Gln (NM_001354918.2); c.199-1659G>A (NM_001083603.3); c.4-1659G>A (NM_001083602.3, NM_001354919.2); c.104G>A (NM_000264.4); short protein forms R35Q.
Identifiers: ClinVar variation 135094 (VCV000135094.15), dbSNP rs587778627, ClinGen allele CA161658.

ClinVar aggregate classification (germline): Conflicting classifications of pathogenicity. Review status: criteria provided, conflicting classifications (1 of 4 stars). 4 submissions from 4 submitters: Uncertain significance (1); Benign (1); Likely benign (1). 1 of the submissions does not count toward it. Last evaluated 2025-12-20.

Conditions:
Hereditary cancer-predisposing syndrome. Also called: Tumor predisposition; Hereditary neoplastic syndrome; Neoplastic Syndromes, Hereditary; Hereditary Cancer Syndrome. Identifiers: Orphanet 140162, MedGen C0027672, MeSH D009386, MONDO:0015356.
Gorlin syndrome. Also called: Nevoid Basal Cell Carcinoma Syndrome; Basal cell nevus syndrome. Identifiers: Orphanet 377, MedGen C0004779, MONDO:0007187.

Allele frequency attached by ClinVar (database versions not stated): TOPMed 0.00001; gnomAD exomes 0.00002; ExAC 0.00004.
gnomAD v4.1: 33 of 1,592,782 alleles (0.0021%); highest among the groups gnomAD compares: Non-Finnish European, 0.0024%; no homozygotes.

Submissions (4):

Labcorp Genetics (formerly Invitae), Labcorp
Classification: Benign for Gorlin syndrome. Last evaluated: 2025-12-20. Review status: criteria provided, single submitter. Criteria: Invitae Variant Classification Sherloc (09022015). Collection method: clinical testing. Allele origin: germline.

Quest Diagnostics Nichols Institute San Juan Capistrano
Classification: Uncertain significance. Last evaluated: 2024-07-01. Review status: criteria provided, single submitter. Criteria: Quest Diagnostics criteria. Collection method: clinical testing. Allele origin: unknown.
Comment: The PTCH1 c.104G>A (p.Arg35Gln) variant has been reported in the published literature in an individual with colorectal cancer and uterine cancer (PMID: 37296477 (2023)) as well as in a reportedly healthy individual (PMID: 24728327 (2014)). The frequency of this variant in the general population, 0.000019 (4/216042 chromosomes (Genome Aggregation Database)), is uninformative in the assessment of its pathogenicity. Analysis of this variant using bioinformatics tools for the prediction of the effect of amino acid changes on protein structure and function yielded predictions that this variant is benign. Based on the available information, we are unable to determine the clinical significance of this variant.

Ambry Genetics
Classification: Likely benign for Hereditary cancer-predisposing syndrome. Last evaluated: 2021-11-12. Review status: criteria provided, single submitter. Criteria: Ambry Variant Classification Scheme 2023. Collection method: clinical testing. Allele origin: germline.

ITMI
No classification provided. Condition: AllHighlyPenetrant. Last evaluated: 2013-09-19. Review status: no classification provided. Collection method: reference population. Allele origin: germline. Not counted in ClinVar's aggregate classification.
Comment: Please see associated publication for description of ethnicities

Literature cited by the submitters: PubMed 37296477 (cited by Quest Diagnostics Nichols Institute San Juan Capistrano); PubMed 24728327 (cited by 3 submitters).